The following is an entry in ClinVar:

ClinVar aggregate classification (germline): Uncertain significance (1 of 4 stars; one submission).

Submission:

Labcorp Genetics (formerly Invitae), Labcorp
Classification: Uncertain significance. Last evaluated: 2025-12-03. Review status: criteria provided, single submitter. Criteria: Invitae Variant Classification Sherloc (09022015). Collection method: clinical testing. Allele origin: germline.
Comment: This sequence change falls in intron 14 of the CDC45 gene. It does not directly change the encoded amino acid sequence of the CDC45 protein. It affects a nucleotide within the consensus splice site. This variant is not present in population databases (gnomAD no frequency). This variant has not been reported in the literature in individuals affected with CDC45-related conditions. Variants that disrupt the consensus splice site are a relatively common cause of aberrant splicing (PMID: 17576681, 9536098). Algorithms developed to predict the effect of sequence changes on RNA splicing suggest that this variant is not likely to affect RNA splicing. In summary, the available evidence is currently insufficient to determine the role of this variant in disease. Therefore, it has been classified as a Variant of Uncertain Significance.

Literature cited by the submitters: PubMed 17576681; PubMed 9536098.

NM_003504.5(CDC45):c.1217+4G>A

Gene: CDC45 (cell division cycle 45; plus strand). Cytogenetic location: 22q11.21.
Variant type: single nucleotide variant.
Coding change: c.1217+4G>A on transcript NM_003504.5 (MANE Select); 4 bases into the intron after coding-DNA position 1217, G replaced by A.
Molecular consequence: intron variant.
Genome position (GRCh38, 1-based): chr22:19,508,695, G>A. VCF-style: chr22-19508695-G-A. GRCh37 (hg19) VCF-style: chr22-19496218-G-A.
Other names: c.1181+4G>A (NM_001369291.1); c.1313+4G>A (NM_001178010.2); c.1079+4G>A (NM_001178011.2).
Identifiers: ClinVar variation 4766112 (VCV004766112.1).
Genomic context (GRCh38, chr22:19,508,695, plus strand): 5'-CGAGAAGGATGGCTCAGGGACAGATCACTTCATCCAGGCTCTGGACAGCCTCTCCAGGTA[G>A]CAGGAGGGCTGTGGGTTTGCCTCATGGGGCCACCACTGGTTCTCACACTGCCCAGGGAGG-3'